The following is an entry in ClinVar:

NM_016239.4(MYO15A):c.1061C>G (p.Pro354Arg)

Gene: MYO15A (myosin XVA; plus strand). Cytogenetic location: 17p11.2.
Variant type: single nucleotide variant.
Coding change: c.1061C>G on transcript NM_016239.4 (MANE Select); coding-DNA position 1061, C replaced by G.
Protein change: p.Pro354Arg; replaces proline 354 with arginine.
Molecular consequence: missense variant.
Genome position (GRCh38, 1-based): chr17:18,119,861, C>G. VCF-style: chr17-18119861-C-G. GRCh37 (hg19) VCF-style: chr17-18023175-C-G.
Other names: short protein forms P354R.
Identifiers: ClinVar variation 3900507 (VCV003900507.1).

ClinVar aggregate classification (germline): Uncertain significance (1 of 4 stars; one submission).

Submission:

GeneDx
Classification: Uncertain significance. Last evaluated: 2024-11-26. Review status: criteria provided, single submitter. Criteria: GeneDx Variant Classification Process June 2021. Collection method: clinical testing. Allele origin: germline. Affected: yes.
Comment: Not observed at significant frequency in large population cohorts (gnomAD); In silico analysis supports that this missense variant has a deleterious effect on protein structure/function; Has not been previously published as pathogenic or benign to our knowledge